The following is an entry in ClinVar:

NM_001378454.1(ALMS1):c.538_541dup (p.Asp181fs)

Gene: ALMS1 (ALMS1 centrosome and basal body associated protein; plus strand). Cytogenetic location: 2p13.1.
Variant type: Duplication.
Coding change: c.538_541dup on transcript NM_001378454.1 (MANE Select); coding-DNA positions 538 to 541, 4 bases duplicated (GAAG; older notation c.538_541dupGAAG).
Protein change: p.Asp181fs; shifts the reading frame from aspartic acid 181.
Molecular consequence: frameshift variant.
Genome position (GRCh38, 1-based): chr2:73,419,210-73,419,213, GAAG duplicated; duplicating any 4 consecutive bases within chr2:73,419,209-73,419,213 gives the same sequence; the c. name uses the placement nearest the transcript's 3' end. VCF-style (leftmost placement, unchanged base first): chr2-73419208-C-CGGAA. GRCh37 (hg19) VCF-style: chr2-73646336-C-CGGAA.
Other names: c.541_544dup, p.Asp182fs (NM_015120.4); short protein forms D182fs, D181fs.
Identifiers: ClinVar variation 3014766 (VCV003014766.3), dbSNP rs2466036341, ClinGen allele CA2740095657.

ClinVar aggregate classification (germline): Pathogenic (1 of 4 stars; one submission).

Conditions:
Alstrom syndrome (ALMS). Identifiers: Orphanet 64, MedGen C0268425, MONDO:0008763, OMIM 203800.

Submission:

Labcorp Genetics (formerly Invitae), Labcorp
Classification: Pathogenic for Alstrom syndrome. Last evaluated: 2023-05-09. Review status: criteria provided, single submitter. Criteria: Invitae Variant Classification Sherloc (09022015). Collection method: clinical testing. Allele origin: germline.
Comment: For these reasons, this variant has been classified as Pathogenic. This variant has not been reported in the literature in individuals affected with ALMS1-related conditions. This variant is not present in population databases (gnomAD no frequency). This sequence change creates a premature translational stop signal (p.Asp182Glyfs*4) in the ALMS1 gene. It is expected to result in an absent or disrupted protein product. Loss-of-function variants in ALMS1 are known to be pathogenic (PMID: 17594715).

Literature cited by the submitters: PubMed 17594715.